The following is an entry in ClinVar:

ClinVar aggregate classification (germline): Uncertain significance (1 of 4 stars; one submission).

Conditions:
Inborn genetic diseases. Identifiers: MedGen C0950123, MeSH D030342.

gnomAD v4.1: 1 of 1,613,460 alleles (0.000062%); highest among the groups gnomAD compares: Middle Eastern, 0.017%; no homozygotes.

Submission:

Ambry Genetics
Classification: Uncertain significance for Inborn genetic diseases. Last evaluated: 2025-02-27. Review status: criteria provided, single submitter. Criteria: Ambry Variant Classification Scheme 2023. Collection method: clinical testing. Allele origin: germline.
Comment: The p.D46N variant (also known as c.136G>A), located in coding exon 2 of the ETV6 gene, results from a G to A substitution at nucleotide position 136. The aspartic acid at codon 46 is replaced by asparagine, an amino acid with highly similar properties. This amino acid position is conserved. In addition, this alteration is predicted to be tolerated by in silico analysis. Based on the available evidence, the clinical significance of this variant remains unclear.

NM_001987.5(ETV6):c.136G>A (p.Asp46Asn)

Gene: ETV6 (ETS variant transcription factor 6; plus strand). Cytogenetic location: 12p13.2.
Variant type: single nucleotide variant.
Coding change: c.136G>A on transcript NM_001987.5 (MANE Select); coding-DNA position 136, G replaced by A.
Protein change: p.Asp46Asn; replaces aspartic acid 46 with asparagine.
Molecular consequence: missense variant. On other transcripts: intron variant (1).
Genome position (GRCh38, 1-based): chr12:11,752,552, G>A. VCF-style: chr12-11752552-G-A. GRCh37 (hg19) VCF-style: chr12-11905486-G-A.
Other names: c.133G>A, p.Asp45Asn (NM_001413913.1); c.109G>A, p.Asp37Asn (NM_001413914.1); c.136G>A, p.Asp46Asn (NM_001413916.1, NM_001413917.1, NM_001413918.1); c.-101-86588G>A (NM_001413915.1); short protein forms D45N, D46N, D37N.
Identifiers: ClinVar variation 3846551 (VCV003846551.1).
Genomic context (GRCh38, chr12:11,752,552, plus strand): 5'-AGTTACGCTTCCTCGACGCCACTTCATGTTCCAGTGCCTCGAGCGCTCAGGATGGAGGAA[G>A]ACTCGATCCGCCTGCCTGCGCACCTGCGTGAGTGTTCGTGACCCGAGAGGGACAGAGGAT-3'
Protein context (NP_001978.1, residues 36-56): PVPRALRMEE[Asp46Asn]SIRLPAHLRL